The following is an entry in ClinVar:

ClinVar aggregate classification (germline): drug response (0 of 4 stars; one submission).

Conditions:
Olaparib response. Also called: Lynparza response. Identifiers: MedGen CN224080.

Submission:

Department of Thoracic Surgery and State Key Laboratory of Genetic Engineering, Fudan University Shanghai Cancer Center
Classification: drug response for Olaparib response. Last evaluated: 2023-11-01. Review status: no assertion criteria provided. Collection method: research. Allele origin: germline. Affected: yes.
Comment: Germline variants of Holliday junction resolvase genes in multiple primary malignancies involving lung cancer lead to Olaparib sensitization.

NM_000057.4(BLM):c.1042del (p.Lys347_Met348insTer)

Gene: BLM (BLM RecQ like helicase; plus strand). Cytogenetic location: 15q26.1.
Variant type: Deletion.
Coding change: c.1042del on transcript NM_000057.4 (MANE Select); coding-DNA position 1042, one base deleted (A; older notation c.1042delA).
Protein change: p.Lys347_Met348insTer.
Molecular consequence: nonsense. On other transcripts: 5 prime UTR variant (1).
Genome position (GRCh38, 1-based): chr15:90,754,893, A deleted; the last of 4 consecutive A bases (chr15:90,754,890-90,754,893); deleting any one gives the same sequence. VCF-style (leftmost placement, unchanged base first): chr15-90754889-GA-G. GRCh37 (hg19) VCF-style: chr15-91298119-GA-G.
Other names: c.1042del, p.Lys347_Met348insTer (NM_001287246.2, NM_001287247.2); c.-250del (NM_001287248.2); c.1042delA (NM_000057.4).
Identifiers: ClinVar variation 2683834 (VCV002683834.1), dbSNP rs2151152258, ClinGen allele CA2697549328.